The following is an entry in ClinVar:

NM_002880.4(RAF1):c.1876_1877insTC (p.His626fs)

Gene: RAF1 (Raf-1 proto-oncogene, serine/threonine kinase; minus strand). Cytogenetic location: 3p25.2.
Variant type: Insertion.
Coding change: c.1876_1877insTC on transcript NM_002880.4 (MANE Select); coding-DNA positions 1876 to 1877, TC inserted.
Protein change: p.His626fs; shifts the reading frame from histidine 626.
Molecular consequence: frameshift variant. On other transcripts: non-coding transcript variant (3).
Genome position: GRCh38 VCF-style: chr3-12584584-T-TGA. GRCh37 (hg19) VCF-style: chr3-12626083-T-TGA.
Other names: c.1936_1937insTC, p.His646fs (NM_001354689.3); c.1876_1877insTC, p.His626fs (NM_001354690.3); c.1633_1634insTC, p.His545fs (NM_001354691.3, NM_001354692.3); c.1777_1778insTC, p.His593fs (NM_001354693.3); c.1693_1694insTC, p.His565fs (NM_001354694.3); c.1534_1535insTC, p.His512fs (NM_001354695.3); c.1876_1877insTC (NM_002880.3); short protein forms H512fs, H545fs, H565fs, H593fs, H626fs, H646fs.
Identifiers: ClinVar variation 2506811 (VCV002506811.1), dbSNP rs2470170067, ClinGen allele CA2577511308.
Genomic context (GRCh38, chr3:12,584,584, plus strand): 5'-GGCAGCCTCGGGGACGTGGTCAGCGTGCAAGCATTGATATCCTCAGTGTGGGCTGCCCGA[T>TGA]GCAAGGATGGCTCGGAAGCGCTCCGGTTGATCTTCGGTAGAGAGTGTTGGAGCAGCTCAA-3'

ClinVar aggregate classification (germline): Uncertain significance (1 of 4 stars; one submission).

Submission:

GeneDx
Classification: Uncertain significance. Last evaluated: 2022-12-20. Review status: criteria provided, single submitter. Criteria: GeneDx Variant Classification Process June 2021. Collection method: clinical testing. Allele origin: germline. Affected: yes.
Comment: Not observed at significant frequency in large population cohorts (gnomAD); Frameshift variant predicted to result in protein truncation, as the last 23 amino acids are replaced with 14 different amino acids; Has not been previously published as pathogenic or benign to our knowledge